The following is an entry in ClinVar:

ClinVar aggregate classification (germline): Conflicting classifications of pathogenicity. Review status: criteria provided, conflicting classifications (1 of 4 stars). 3 submissions from 3 submitters: Uncertain significance (2); Likely benign (1). Last evaluated 2025-11-05.

Conditions:
Hereditary cancer-predisposing syndrome. Also called: Tumor predisposition; Neoplastic Syndromes, Hereditary; Hereditary Cancer Syndrome; Hereditary neoplastic syndrome. Identifiers: Orphanet 140162, MedGen C0027672, MeSH D009386, MONDO:0015356.

Allele frequency attached by ClinVar (database versions not stated): TOPMed 0.00001; ExAC 0.00002.
gnomAD v4.1: 26 of 1,614,026 alleles (0.0016%); highest among the groups gnomAD compares: Non-Finnish European, 0.0021%; no homozygotes.

Submissions (3):

Labcorp Genetics (formerly Invitae), Labcorp
Classification: Uncertain significance. Last evaluated: 2025-11-05. Review status: criteria provided, single submitter. Criteria: Invitae Variant Classification Sherloc (09022015). Collection method: clinical testing. Allele origin: germline.
Comment: This sequence change replaces alanine, which is neutral and non-polar, with threonine, which is neutral and polar, at codon 2243 of the POLE protein (p.Ala2243Thr). This variant is present in population databases (rs747349009, gnomAD 0.003%). This missense change has been observed in individual(s) with breast cancer (PMID: 34326862). ClinVar contains an entry for this variant (Variation ID: 240614). Invitae Evidence Modeling of protein sequence and biophysical properties (such as structural, functional, and spatial information, amino acid conservation, physicochemical variation, residue mobility, and thermodynamic stability) indicates that this missense variant is not expected to disrupt POLE protein function with a negative predictive value of 80%. In summary, the available evidence is currently insufficient to determine the role of this variant in disease. Therefore, it has been classified as a Variant of Uncertain Significance.

GeneDx
Classification: Uncertain significance. Last evaluated: 2024-11-25. Review status: criteria provided, single submitter. Criteria: GeneDx Variant Classification Process June 2021. Collection method: clinical testing. Allele origin: germline. Affected: yes.
Comment: Not observed at significant frequency in large population cohorts (gnomAD); In silico analysis indicates that this missense variant does not alter protein structure/function; Observed in individuals with breast cancer (PMID: 34326862); This variant is associated with the following publications: (PMID: 19296856, 34326862)

Ambry Genetics
Classification: Likely benign for Hereditary cancer-predisposing syndrome. Last evaluated: 2024-10-17. Review status: criteria provided, single submitter. Criteria: Ambry Variant Classification Scheme 2023. Collection method: clinical testing. Allele origin: germline.

Literature cited by the submitters: PubMed 34326862 (cited by Labcorp Genetics (formerly Invitae), Labcorp).

NM_006231.4(POLE):c.6727G>A (p.Ala2243Thr)

Gene: POLE (DNA polymerase epsilon, catalytic subunit; minus strand). Cytogenetic location: 12q24.33.
Variant type: single nucleotide variant.
Coding change: c.6727G>A on transcript NM_006231.4 (MANE Select); coding-DNA position 6727, G replaced by A.
Protein change: p.Ala2243Thr; replaces alanine 2243 with threonine.
Molecular consequence: missense variant.
Genome position (GRCh38, 1-based): chr12:132,624,925, C>T on the plus strand (G>A on the coding strand, the complement: POLE is on the minus strand). VCF-style: chr12-132624925-C-T. GRCh37 (hg19) VCF-style: chr12-133201511-C-T.
Other names: short protein forms A2243T.
Identifiers: ClinVar variation 240614 (VCV000240614.9), dbSNP rs747349009, ClinGen allele CA6892005.